The following is an entry in ClinVar:

ClinVar aggregate classification (germline): Pathogenic (1 of 4 stars; one submission).

Allele frequency attached by ClinVar (database versions not stated): gnomAD 0.00001.

Submission:

Labcorp Genetics (formerly Invitae), Labcorp
Classification: Pathogenic. Last evaluated: 2022-07-05. Review status: criteria provided, single submitter. Criteria: Invitae Variant Classification Sherloc (09022015). Collection method: clinical testing. Allele origin: germline.
Comment: This sequence change creates a premature translational stop signal (p.Ala124Cysfs*28) in the TRAF3IP1 gene. It is expected to result in an absent or disrupted protein product. Loss-of-function variants in TRAF3IP1 are known to be pathogenic (PMID: 21945076, 26487268, 29068549). This variant is not present in population databases (gnomAD no frequency). This variant has not been reported in the literature in individuals affected with TRAF3IP1-related conditions. For these reasons, this variant has been classified as Pathogenic.

Literature cited by the submitters: PubMed 21945076; PubMed 26487268; PubMed 29068549.

NM_015650.4(TRAF3IP1):c.369dup (p.Ala124fs)

Gene: TRAF3IP1 (TRAF3 interacting protein 1; plus strand). Cytogenetic location: 2q37.3.
Variant type: Duplication.
Coding change: c.369dup on transcript NM_015650.4 (MANE Select); coding-DNA position 369, one base duplicated (T; older notation c.369dupT).
Protein change: p.Ala124fs; shifts the reading frame from alanine 124.
Molecular consequence: frameshift variant.
Genome position (GRCh38, 1-based): chr2:238,328,700, T duplicated. VCF-style (leftmost placement, unchanged base first): chr2-238328699-A-AT. GRCh37 (hg19) VCF-style: chr2-239237340-A-AT.
Other names: c.369dup, p.Ala124fs (NM_001139490.1); short protein forms A124fs.
Identifiers: ClinVar variation 2164957 (VCV002164957.1), dbSNP rs1697960433, ClinGen allele CA1043877279.